The following is an entry in ClinVar:

NM_015338.6(ASXL1):c.3992C>G (p.Pro1331Arg)

Gene: ASXL1 (ASXL transcriptional regulator 1; plus strand). Cytogenetic location: 20q11.21.
Variant type: single nucleotide variant.
Coding change: c.3992C>G on transcript NM_015338.6 (MANE Select); coding-DNA position 3992, C replaced by G.
Protein change: p.Pro1331Arg; replaces proline 1331 with arginine.
Molecular consequence: missense variant.
Genome position (GRCh38, 1-based): chr20:32,436,704, C>G. VCF-style: chr20-32436704-C-G. GRCh37 (hg19) VCF-style: chr20-31024507-C-G.
Other names: c.3809C>G, p.Pro1270Arg (NM_001363734.1); short protein forms P1270R, P1331R.
Identifiers: ClinVar variation 2982045 (VCV002982045.4), dbSNP rs2145390878, ClinGen allele CA408564213.

ClinVar aggregate classification (germline): Uncertain significance. Review status: criteria provided, multiple submitters, no conflicts (2 of 4 stars). 2 submissions from 2 submitters: Uncertain significance (2). Last evaluated 2025-12-28.

Conditions:
Inborn genetic diseases. Identifiers: MedGen C0950123, MeSH D030342.

Submissions (2):

Ambry Genetics
Classification: Uncertain significance for Inborn genetic diseases. Last evaluated: 2025-12-28. Review status: criteria provided, single submitter. Criteria: Ambry Variant Classification Scheme 2023. Collection method: clinical testing. Allele origin: germline.
Comment: The p.P1331R variant (also known as c.3992C>G), located in coding exon 13 of the ASXL1 gene, results from a C to G substitution at nucleotide position 3992. The proline at codon 1331 is replaced by arginine, an amino acid with dissimilar properties. This amino acid position is conserved. In addition, this alteration is predicted to be tolerated by in silico analysis. Based on the available evidence, the clinical significance of this variant remains unclear.

Labcorp Genetics (formerly Invitae), Labcorp
Classification: Uncertain significance. Last evaluated: 2024-08-06. Review status: criteria provided, single submitter. Criteria: Invitae Variant Classification Sherloc (09022015). Collection method: clinical testing. Allele origin: germline.
Comment: This sequence change replaces proline, which is neutral and non-polar, with arginine, which is basic and polar, at codon 1331 of the ASXL1 protein (p.Pro1331Arg). This variant is not present in population databases (gnomAD no frequency). This variant has not been reported in the literature in individuals affected with ASXL1-related conditions. An algorithm developed to predict the effect of missense changes on protein structure and function (PolyPhen-2) suggests that this variant is likely to be tolerated. In summary, the available evidence is currently insufficient to determine the role of this variant in disease. Therefore, it has been classified as a Variant of Uncertain Significance.